The following is an entry in ClinVar:

NM_001620.3(AHNAK):c.635C>T (p.Ser212Leu)

Gene: AHNAK (AHNAK nucleoprotein; minus strand). Cytogenetic location: 11q12.3.
Variant type: single nucleotide variant.
Coding change: c.635C>T on transcript NM_001620.3 (MANE Select); coding-DNA position 635, C replaced by T.
Protein change: p.Ser212Leu; replaces serine 212 with leucine.
Molecular consequence: missense variant. On other transcripts: intron variant (1).
Genome position (GRCh38, 1-based): chr11:62,533,782, G>A on the plus strand (C>T on the coding strand, the complement: AHNAK is on the minus strand). VCF-style: chr11-62533782-G-A. GRCh37 (hg19) VCF-style: chr11-62301254-G-A.
Other names: c.635C>T, p.Ser212Leu (NM_001346445.2, NM_001346446.2); c.342+1221C>T (NM_024060.4); short protein forms S212L.
Identifiers: ClinVar variation 3388583 (VCV003388583.14).
Genomic context (GRCh38, chr11:62,533,782, plus strand): 5'-GAAGCAGAAATGGCCCCTGCTCGGATATCCACAGCAGAGCCTGTCGGAGAGGCTGCCCCC[G>A]AGCCCGAGGGCAGTCTGATCACGGTCTTCCCAGACTGGGTCTCCACATCCACATTGGAGA-3'
Protein context (NP_001611.1, residues 202-222): GKTVIRLPSG[Ser212Leu]GAASPTGSAV

ClinVar aggregate classification (germline): Likely benign (1 of 4 stars; one submission).

gnomAD v4.1: 227 of 1,614,102 alleles (0.014%); highest among the groups gnomAD compares: African/African-American, 0.2%; no homozygotes.

Submission:

CeGaT Center for Human Genetics Tuebingen
Classification: Likely benign. Last evaluated: 2024-10-01. Review status: criteria provided, single submitter. Criteria: CeGaT Center For Human Genetics Tuebingen Variant Classification Criteria Version 2. Collection method: clinical testing. Allele origin: germline. Affected: yes. Observed: 1 variant allele.
Comment: AHNAK: BP4